The following is an entry in ClinVar:

NM_000075.4(CDK4):c.295G>A (p.Asp99Asn)

Gene: CDK4 (cyclin dependent kinase 4; minus strand). Cytogenetic location: 12q14.1.
Variant type: single nucleotide variant.
Coding change: c.295G>A on transcript NM_000075.4 (MANE Select); coding-DNA position 295, G replaced by A.
Protein change: p.Asp99Asn; replaces aspartic acid 99 with asparagine.
Molecular consequence: missense variant.
Genome position (GRCh38, 1-based): chr12:57,751,266, C>T on the plus strand (G>A on the coding strand, the complement: CDK4 is on the minus strand). VCF-style: chr12-57751266-C-T. GRCh37 (hg19) VCF-style: chr12-58145049-C-T.
Other names: short protein forms D99N.
Identifiers: ClinVar variation 1018679 (VCV001018679.8), dbSNP rs1955234069, ClinGen allele CA385547865.

ClinVar aggregate classification (germline): Uncertain significance (1 of 4 stars; one submission).

Conditions:
Familial melanoma. Also called: Hereditary melanoma; Hereditary cutaneous melanoma. Identifiers: Orphanet 618, MedGen C1512419, MONDO:0018961.

Submission:

Labcorp Genetics (formerly Invitae), Labcorp
Classification: Uncertain significance for Familial melanoma. Last evaluated: 2020-01-15. Review status: criteria provided, single submitter. Criteria: Invitae Variant Classification Sherloc (09022015). Collection method: clinical testing. Allele origin: germline.
Comment: In summary, the available evidence is currently insufficient to determine the role of this variant in disease. Therefore, it has been classified as a Variant of Uncertain Significance. Algorithms developed to predict the effect of missense changes on protein structure and function are either unavailable or do not agree on the potential impact of this missense change (SIFT: "Deleterious"; PolyPhen-2: "Probably Damaging"; Align-GVGD: "Class C0"). This variant has not been reported in the literature in individuals with CDK4-related conditions. This variant is not present in population databases (ExAC no frequency). This sequence change replaces aspartic acid with asparagine at codon 99 of the CDK4 protein (p.Asp99Asn). The aspartic acid residue is highly conserved and there is a small physicochemical difference between aspartic acid and asparagine.